The following is an entry in ClinVar:

NM_001232.4(CASQ2):c.533-2A>G

Gene: CASQ2 (calsequestrin 2; minus strand). Cytogenetic location: 1p13.1.
Variant type: single nucleotide variant.
Coding change: c.533-2A>G on transcript NM_001232.4 (MANE Select); the canonical splice acceptor site of the intron before coding-DNA position 533, A replaced by G.
Molecular consequence: splice acceptor variant.
Genome position (GRCh38, 1-based): chr1:115,732,976, T>C on the plus strand (A>G on the coding strand, the complement: CASQ2 is on the minus strand). VCF-style: chr1-115732976-T-C. GRCh37 (hg19) VCF-style: chr1-116275597-T-C.
Identifiers: ClinVar variation 3263466 (VCV003263466.2).

ClinVar aggregate classification (germline): Likely pathogenic. Review status: criteria provided, multiple submitters, no conflicts (2 of 4 stars). 2 submissions from 2 submitters: Likely pathogenic (2). Last evaluated 2024-03-15.

Conditions:
Cardiovascular phenotype. Identifiers: MedGen CN230736.
Catecholaminergic polymorphic ventricular tachycardia 2. Also called: CASQ2-Related Catecholaminergic Polymorphic Ventricular Tachycardia; VENTRICULAR TACHYCARDIA, STRESS-INDUCED POLYMORPHIC 2. Identifiers: Orphanet 3286, MedGen C2677794, MONDO:0012762, OMIM 611938.

Submissions (2):

Ambry Genetics
Classification: Likely pathogenic for Cardiovascular phenotype. Last evaluated: 2024-03-15. Review status: criteria provided, single submitter. Criteria: Ambry Variant Classification Scheme 2023. Collection method: clinical testing. Allele origin: germline.
Comment: The c.533-2A>G intronic variant results from an A to G substitution two nucleotides before coding exon 5 in the CASQ2 gene. This variant is considered to be rare based on population cohorts in the Genome Aggregation Database (gnomAD). This nucleotide position is highly conserved in available vertebrate species. In silico splice site analysis predicts that this alteration will weaken the native splice acceptor site and will result in the creation or strengthening of a novel splice acceptor site. Alterations that disrupt the canonical splice site are expected to cause aberrant splicing, resulting in an abnormal protein or a transcript that is subject to nonsense-mediated mRNA decay. As such, this alteration is classified as likely pathogenic.

Fulgent Genetics
Classification: Likely pathogenic for Catecholaminergic polymorphic ventricular tachycardia 2. Last evaluated: 2024-01-26. Review status: criteria provided, single submitter. Criteria: ACMG Guidelines, 2015. Collection method: clinical testing. Allele origin: germline.